The following is an entry in ClinVar:

ClinVar aggregate classification (germline): Likely benign. Review status: criteria provided, multiple submitters, no conflicts (2 of 4 stars). 5 submissions from 5 submitters: Likely benign (5). Last evaluated 2026-02-04.

Conditions:
Cardiovascular phenotype. Identifiers: MedGen CN230736.
Walker-Warburg congenital muscular dystrophy. Also called: Muscular dystrophy-dystroglycanopathy, type A; Walker-Warburg syndrome. Identifiers: Orphanet 899, MedGen C0265221, MONDO:0000171.
Muscular dystrophy-dystroglycanopathy (congenital with brain and eye anomalies), type A5. Also called: MUSCULAR DYSTROPHY-DYSTROGLYCANOPATHY (CONGENITAL WITH BRAIN AND EYE ANOMALIES), TYPE A, 5; WALKER-WARBURG SYNDROME OR MUSCLE-EYE-BRAIN DISEASE, FKRP-RELATED. Identifiers: Orphanet 588, Orphanet 899, MedGen C3150413, MONDO:0013157, OMIM 613153.
Autosomal recessive limb-girdle muscular dystrophy type 2I. Also called: MUSCULAR DYSTROPHY, LIMB-GIRDLE, TYPE 2I; MUSCULAR DYSTROPHY-DYSTROGLYCANOPATHY (LIMB-GIRDLE), TYPE C, 5; MUSCULAR DYSTROPHY-DYSTROGLYCANOPATHY, LIMB-GIRDLE, FRKP-RELATED. Identifiers: Orphanet 34515, MedGen C1846672, MONDO:0011787, OMIM 607155.
Muscular dystrophy-dystroglycanopathy type B5 (MDDGB5). Also called: MUSCULAR DYSTROPHY, CONGENITAL, 1C; MUSCULAR DYSTROPHY, CONGENITAL, FKRP-RELATED; MUSCULAR DYSTROPHY-DYSTROGLYCANOPATHY (CONGENITAL WITH OR WITHOUT IMPAIRED INTELLECTUAL DEVELOPMENT), TYPE B, 5. Identifiers: MedGen C1847759, MONDO:0011688, OMIM 606612.
Muscular dystrophy-dystroglycanopathy (congenital with brain and eye anomalies), type A1 (MDDGA1). Also called: COD-MD SYNDROME; WALKER-WARBURG SYNDROME OR MUSCLE-EYE-BRAIN DISEASE, POMT1-RELATED; Hydrocephalus, agyria and retinal dysplasia; Hard +/- E syndrome; Warburg syndrome; Chemke syndrome. Identifiers: Orphanet 588, Orphanet 899, MedGen C4284790, MONDO:0009364, OMIM 236670.

Allele frequency attached by ClinVar (database versions not stated): gnomAD exomes 0.00011 and 0.00038; gnomAD 0.00013; TOPMed 0.00017; ExAC 0.00029; 1000 Genomes Project 30x 0.00031.

Submissions (5):

Labcorp Genetics (formerly Invitae), Labcorp
Classification: Likely benign for Walker-Warburg congenital muscular dystrophy. Last evaluated: 2026-02-04. Review status: criteria provided, single submitter. Criteria: Invitae Variant Classification Sherloc (09022015). Collection method: clinical testing. Allele origin: germline.

Women's Health and Genetics/Laboratory Corporation of America, LabCorp
Classification: Likely benign. Last evaluated: 2025-12-05. Review status: criteria provided, single submitter. Criteria: LabCorp Variant Classification Summary - May 2015. Collection method: clinical testing. Allele origin: germline.

Fulgent Genetics
Classification: Likely benign for Muscular dystrophy-dystroglycanopathy (congenital with brain and eye anomalies), type A1; Muscular dystrophy-dystroglycanopathy type B5; Autosomal recessive limb-girdle muscular dystrophy type 2I; Muscular dystrophy-dystroglycanopathy (congenital with brain and eye anomalies), type A5. Last evaluated: 2021-08-31. Review status: criteria provided, single submitter. Criteria: ACMG Guidelines, 2015. Collection method: clinical testing. Allele origin: unknown.

Ambry Genetics
Classification: Likely benign for Cardiovascular phenotype. Last evaluated: 2019-01-09. Review status: criteria provided, single submitter. Criteria: Ambry Variant Classification Scheme 2023. Collection method: clinical testing. Allele origin: germline.

GeneDx
Classification: Likely benign. Last evaluated: 2017-06-30. Review status: criteria provided, single submitter. Criteria: GeneDx Variant Classification (06012015). Collection method: clinical testing. Allele origin: germline. Affected: yes.
Comment: This variant is considered likely benign or benign based on one or more of the following criteria: it is a conservative change, it occurs at a poorly conserved position in the protein, it is predicted to be benign by multiple in silico algorithms, and/or has population frequency not consistent with disease.

NM_024301.5(FKRP):c.828A>G (p.Leu276=)

Gene: FKRP (fukutin related protein; plus strand). Cytogenetic location: 19q13.32.
Variant type: single nucleotide variant.
Coding change: c.828A>G on transcript NM_024301.5 (MANE Select); coding-DNA position 828, A replaced by G.
Protein change: p.Leu276=; no amino-acid change (leucine 276 retained).
Molecular consequence: synonymous variant.
Genome position (GRCh38, 1-based): chr19:46,756,278, A>G. VCF-style: chr19-46756278-A-G. GRCh37 (hg19) VCF-style: chr19-47259535-A-G.
Other names: c.828A>G, p.Leu276= (NM_001039885.3).
Identifiers: ClinVar variation 379113 (VCV000379113.16), dbSNP rs745994685, ClinGen allele CA9532202.